The following is an entry in ClinVar:

NM_175057.4(TAAR9):c.976G>A (p.Val326Ile)

Gene: TAAR9 (trace amine associated receptor 9; plus strand). Cytogenetic location: 6q23.2.
Variant type: single nucleotide variant.
Coding change: c.976G>A on transcript NM_175057.4 (MANE Select); coding-DNA position 976, G replaced by A.
Protein change: p.Val326Ile; replaces valine 326 with isoleucine.
Molecular consequence: missense variant.
Genome position (GRCh38, 1-based): chr6:132,539,265, G>A. VCF-style: chr6-132539265-G-A. GRCh37 (hg19) VCF-style: chr6-132860404-G-A.
Other names: short protein forms V326I.
Identifiers: ClinVar variation 4865284 (VCV004865284.1).

ClinVar aggregate classification (germline): Uncertain significance (1 of 4 stars; one submission).

Submission:

Ambry Genetics
Classification: Uncertain significance. Last evaluated: 2026-05-06. Review status: criteria provided, single submitter. Criteria: Ambry Variant Classification Scheme 2023. Collection method: clinical testing. Allele origin: germline.
Comment: The c.976G>A (p.V326I) alteration is located in exon 1 (coding exon 1) of the TAAR9 gene. This alteration results from a G to A substitution at nucleotide position 976, causing the valine (V) at amino acid position 326 to be replaced by an isoleucine (I). Based on data from gnomAD, the A allele has an overall frequency of <0.001% (1/247650) total alleles studied. The highest observed frequency was 0.001% (1/112224) of European (non-Finnish) alleles. Based on insufficient or conflicting evidence, the clinical significance of this alteration remains unclear.